The following is an entry in ClinVar:

NM_138615.3(DHX30):c.1355T>C (p.Val452Ala)

Gene: DHX30 (DExH-box helicase 30; plus strand). Cytogenetic location: 3p21.31.
Variant type: single nucleotide variant.
Coding change: c.1355T>C on transcript NM_138615.3 (MANE Select); coding-DNA position 1355, T replaced by C.
Protein change: p.Val452Ala; replaces valine 452 with alanine.
Molecular consequence: missense variant.
Genome position (GRCh38, 1-based): chr3:47,846,427, T>C. VCF-style: chr3-47846427-T-C. GRCh37 (hg19) VCF-style: chr3-47887917-T-C.
Other names: c.1271T>C, p.Val424Ala (NM_001330990.2); c.1238T>C, p.Val413Ala (NM_014966.4); short protein forms V413A, V424A, V452A.
Identifiers: ClinVar variation 5037592 (VCV005037592.1).
Genomic context (GRCh38, chr3:47,846,427, plus strand): 5'-CCCAGCTACCTGTGGACCCACATCGGGACACCATCCTCAACGCCATTGAGCAGCACCCGG[T>C]GGTGGTCATCTCTGGGGACACGGGCTGTGGGAAGACCACGCGCATCCCCCAGCTGTTGCT-3'
Protein context (NP_619520.1, residues 442-462): TILNAIEQHP[Val452Ala]VVISGDTGCG

ClinVar aggregate classification (germline): Uncertain significance (1 of 4 stars; one submission).

Submission:

GeneDx
Classification: Uncertain significance. Last evaluated: 2026-04-22. Review status: criteria provided, single submitter. Criteria: GeneDx Variant Classification Process June 2021. Collection method: clinical testing. Allele origin: germline.
Comment: Not observed at significant frequency in large population cohorts (gnomAD); In silico analysis supports that this missense variant has a deleterious effect on protein structure/function; Has not been previously published as pathogenic or benign to our knowledge